The following is an entry in ClinVar:

NM_003128.3(SPTBN1):c.291A>G (p.Gly97=)

Gene: SPTBN1 (spectrin beta, non-erythrocytic 1; plus strand). Cytogenetic location: 2p16.2.
Variant type: single nucleotide variant.
Coding change: c.291A>G on transcript NM_003128.3 (MANE Select); coding-DNA position 291, A replaced by G.
Protein change: p.Gly97=; no amino-acid change (glycine 97 retained).
Molecular consequence: synonymous variant.
Genome position (GRCh38, 1-based): chr2:54,599,234, A>G. VCF-style: chr2-54599234-A-G. GRCh37 (hg19) VCF-style: chr2-54826371-A-G.
Other names: c.252A>G, p.Gly84= (NM_178313.3).
Identifiers: ClinVar variation 4997117 (VCV004997117.1).
Genomic context (GRCh38, chr2:54,599,234, plus strand): 5'-CCTGTACACTGACCTTCGAGATGGACGGATGCTCATCAAGCTGCTGGAGGTCCTCTCTGG[A>G]GAGAGGCTGGTGAGTGGAGACCTTAGGAAGTGCCGTGTGTTGTAGGTGGAAAATATTTTT-3'
Protein context (NP_003119.2, residues 87-107): MLIKLLEVLS[Gly97=]ERLPKPTKGR

ClinVar aggregate classification (germline): Likely benign (1 of 4 stars; one submission).

Conditions:
SPTBN1-related disorder. Also called: SPTBN1-related condition.

gnomAD v4.1: 6 of 1,613,960 alleles (0.00037%); highest among the groups gnomAD compares: African/African-American, 0.0027%; no homozygotes.

Submission:

PreventionGenetics, part of Exact Sciences
Classification: Likely benign for SPTBN1-related condition. Last evaluated: 2025-06-04. Review status: criteria provided, single submitter. Criteria: ACMG Guidelines, 2015. Collection method: clinical testing. Allele origin: germline.
Comment: This variant is classified as likely benign based on ACMG/AMP sequence variant interpretation guidelines (Richards et al. 2015 PMID: 25741868, with internal and published modifications).